The following is an entry in ClinVar:

NM_032043.3(BRIP1):c.551A>C (p.Asp184Ala)

Gene: BRIP1 (BRCA1 interacting DNA helicase 1; minus strand). Cytogenetic location: 17q23.2.
Variant type: single nucleotide variant.
Coding change: c.551A>C on transcript NM_032043.3 (MANE Select); coding-DNA position 551, A replaced by C.
Protein change: p.Asp184Ala; replaces aspartic acid 184 with alanine.
Molecular consequence: missense variant.
Genome position (GRCh38, 1-based): chr17:61,847,177, T>G on the plus strand (A>C on the coding strand, the complement: BRIP1 is on the minus strand). VCF-style: chr17-61847177-T-G. GRCh37 (hg19) VCF-style: chr17-59924538-T-G.
Other names: short protein forms D184A.
Identifiers: ClinVar variation 1748063 (VCV001748063.3), dbSNP rs2545406766, ClinGen allele CA400483162.

ClinVar aggregate classification (germline): Uncertain significance (1 of 4 stars; one submission).

Conditions:
Hereditary cancer-predisposing syndrome. Also called: Hereditary Cancer Syndrome; Hereditary neoplastic syndrome; Neoplastic Syndromes, Hereditary; Tumor predisposition. Identifiers: Orphanet 140162, MedGen C0027672, MeSH D009386, MONDO:0015356.

Submission:

Ambry Genetics
Classification: Uncertain significance for Hereditary cancer-predisposing syndrome. Last evaluated: 2024-07-05. Review status: criteria provided, single submitter. Criteria: Ambry Variant Classification Scheme 2023. Collection method: clinical testing. Allele origin: germline.
Comment: The p.D184A variant (also known as c.551A>C), located in coding exon 5 of the BRIP1 gene, results from an A to C substitution at nucleotide position 551. The aspartic acid at codon 184 is replaced by alanine, an amino acid with dissimilar properties. This amino acid position is conserved. In addition, the in silico prediction for this alteration is inconclusive. Based on the available evidence, the clinical significance of this variant remains unclear.